The following is an entry in ClinVar:

ClinVar aggregate classification (germline): Pathogenic (1 of 4 stars; one submission).

Conditions:
Okur-Chung neurodevelopmental syndrome (OCNDS). Identifiers: Orphanet 689422, MedGen C4310739, MONDO:0014893, OMIM 617062.

Submission:

Victorian Clinical Genetics Services, Murdoch Childrens Research Institute
Classification: Pathogenic for Okur-Chung neurodevelopmental syndrome. Last evaluated: 2025-02-18. Review status: criteria provided, single submitter. Criteria: ACMG Guidelines, 2015. Collection method: clinical testing. Allele origin: germline. Affected: yes.
Comment: This variant is classified as Pathogenic. Evidence in support of pathogenic classification: Variant is absent from gnomAD (v2, v3 and v4); This variant has moderate previous evidence of pathogenicity in unrelated individuals. This variant has been reported in the literature as de novo in an individual with a syndromic neurodevelopmental disorder (PMID: 34374989). - Missense variant in a region that is highly intolerant to missense variation (high constraint region in DECIPHER); Additional information: Variant is predicted to result in a missense amino acid change from glutamic acid to lysine; This variant is heterozygous; This gene is associated with autosomal dominant disease; No published segregation evidence has been identified for this variant; No published functional evidence has been identified for this variant; No comparable missense variants have previous evidence for pathogenicity; Missense variant with inconclusive in silico prediction and uninformative conservation; Loss of function is a known mechanism of disease in this gene and is associated with Okur-Chung neurodevelopmental syndrome (MIM#617062). The disease mechanism for missense variants is unclear.

Literature cited by the submitters: PubMed 34374989.

NM_177559.3(CSNK2A1):c.538G>A (p.Glu180Lys)

Gene: CSNK2A1 (casein kinase 2 alpha 1; minus strand). Cytogenetic location: 20p13.
Variant type: single nucleotide variant.
Coding change: c.538G>A on transcript NM_177559.3 (MANE Select); coding-DNA position 538, G replaced by A.
Protein change: p.Glu180Lys; replaces glutamic acid 180 with lysine.
Molecular consequence: missense variant.
Genome position (GRCh38, 1-based): chr20:492,337, C>T on the plus strand (G>A on the coding strand, the complement: CSNK2A1 is on the minus strand). VCF-style: chr20-492337-C-T. GRCh37 (hg19) VCF-style: chr20-472981-C-T.
Other names: c.538G>A, p.Glu180Lys (NM_001362770.2, NM_001362771.2, NM_001895.4); c.130G>A, p.Glu44Lys (NM_177560.3); short protein forms E180K, E44K.
Identifiers: ClinVar variation 4531756 (VCV004531756.1).